The following is an entry in ClinVar:

ClinVar aggregate classification (germline): Uncertain significance. Review status: criteria provided, multiple submitters, no conflicts (2 of 4 stars). 3 submissions from 3 submitters: Uncertain significance (3). Last evaluated 2024-07-03.

Conditions:
Cardiovascular phenotype. Identifiers: MedGen CN230736.
Arrhythmogenic right ventricular cardiomyopathy (ARVD). Also called: Cardiomyopathy, ARVC; Arrhythmogenic right ventricular dysplasia; Arrhythmogenic cardiomyopathy; Arrhythmogenic Right Ventricular Cardiomyopathy (ARVC). Identifiers: Orphanet 247, MedGen C0349788, MeSH D019571, MONDO:0016587. Disease mechanism: loss of function. Inheritance: Various modes of inheritance.
Arrhythmogenic right ventricular dysplasia 9 (ARVD9). Also called: Arrhythmogenic Right Ventricular Dysplasia/Cardiomyopathy 9; ARRHYTHMOGENIC RIGHT VENTRICULAR DYSPLASIA, FAMILIAL, 9. Identifiers: MedGen C1836906, MONDO:0012180, OMIM 609040.

Allele frequency attached by ClinVar (database versions not stated): gnomAD exomes below 0.00001; TOPMed below 0.00001.
gnomAD v4.1: 2 of 1,563,398 alleles (0.00013%); highest among the groups gnomAD compares: Non-Finnish European, 0.00018%; no homozygotes.

Submissions (3):

Labcorp Genetics (formerly Invitae), Labcorp
Classification: Uncertain significance for Arrhythmogenic right ventricular dysplasia 9. Last evaluated: 2024-07-03. Review status: criteria provided, single submitter. Criteria: Invitae Variant Classification Sherloc (09022015). Collection method: clinical testing. Allele origin: germline.
Comment: This sequence change replaces tyrosine, which is neutral and polar, with cysteine, which is neutral and slightly polar, at codon 108 of the PKP2 protein (p.Tyr108Cys). This variant is not present in population databases (gnomAD no frequency). This variant has not been reported in the literature in individuals affected with PKP2-related conditions. ClinVar contains an entry for this variant (Variation ID: 1729271). An algorithm developed to predict the effect of missense changes on protein structure and function (PolyPhen-2) suggests that this variant is likely to be disruptive. In summary, the available evidence is currently insufficient to determine the role of this variant in disease. Therefore, it has been classified as a Variant of Uncertain Significance.

All of Us Research Program, National Institutes of Health
Classification: Uncertain significance for Arrhythmogenic right ventricular cardiomyopathy. Last evaluated: 2024-04-16. Review status: criteria provided, single submitter. Criteria: ACMG Guidelines, 2015. Collection method: clinical testing. Allele origin: germline. Inheritance: Autosomal dominant inheritance. Observed: 1 variant allele, 1 heterozygote.
Comment: This missense variant replaces tyrosine with cysteine at codon 108 of the PKP2 protein. Computational prediction is inconclusive regarding the impact of this variant on protein structure and function (internally defined REVEL score threshold 0.5 < inconclusive < 0.7, PMID: 27666373). To our knowledge, functional studies have not been reported for this variant. This variant has not been reported in individuals affected with PKP2-related disorders in the literature. This variant has not been identified in the general population by the Genome Aggregation Database (gnomAD). The available evidence is insufficient to determine the role of this variant in disease conclusively. Therefore, this variant is classified as a Variant of Uncertain Significance.

This study involves interpretation of variants in research participants for the purpose of population health screening. Participant phenotype was not available at the time of variant classification. Additional details can be found in publication PMID: 35346344, PMCID: PMC8962531

Ambry Genetics
Classification: Uncertain significance for Cardiovascular phenotype. Last evaluated: 2019-12-27. Review status: criteria provided, single submitter. Criteria: Ambry Variant Classification Scheme 2023. Collection method: clinical testing. Allele origin: germline.
Comment: The p.Y108C variant (also known as c.323A>G), located in coding exon 2 of the PKP2 gene, results from an A to G substitution at nucleotide position 323. The tyrosine at codon 108 is replaced by cysteine, an amino acid with highly dissimilar properties. This amino acid position is highly conserved in available vertebrate species. In addition, this alteration is predicted to be deleterious by in silico analysis. Since supporting evidence is limited at this time, the clinical significance of this alteration remains unclear.

NM_001005242.3(PKP2):c.323A>G (p.Tyr108Cys)

Gene: PKP2 (plakophilin 2; minus strand). Cytogenetic location: 12p11.21.
Variant type: single nucleotide variant.
Coding change: c.323A>G on transcript NM_001005242.3 (MANE Select); coding-DNA position 323, A replaced by G.
Protein change: p.Tyr108Cys; replaces tyrosine 108 with cysteine.
Molecular consequence: missense variant.
Genome position (GRCh38, 1-based): chr12:32,878,933, T>C on the plus strand (A>G on the coding strand, the complement: PKP2 is on the minus strand). VCF-style: chr12-32878933-T-C. GRCh37 (hg19) VCF-style: chr12-33031867-T-C.
Other names: c.323A>G, p.Tyr108Cys (NM_001407155.1, NM_001407156.1, NM_001407157.1 and 2 more transcripts); c.-5A>G (NM_001407158.1, NM_001407159.1, NM_001407160.1 and 1 more transcripts); short protein forms Y108C.
Identifiers: ClinVar variation 1729271 (VCV001729271.4), dbSNP rs953684652, ClinGen allele CA235267314.